The following is an entry in ClinVar:

NM_138576.4(BCL11B):c.2616C>A (p.His872Gln)

Gene: BCL11B (BCL11 transcription factor B; minus strand). Cytogenetic location: 14q32.2.
Variant type: single nucleotide variant.
Coding change: c.2616C>A on transcript NM_138576.4 (MANE Select); coding-DNA position 2616, C replaced by A.
Protein change: p.His872Gln; replaces histidine 872 with glutamine.
Molecular consequence: missense variant.
Genome position (GRCh38, 1-based): chr14:99,174,220, G>T on the plus strand (C>A on the coding strand, the complement: BCL11B is on the minus strand). VCF-style: chr14-99174220-G-T. GRCh37 (hg19) VCF-style: chr14-99640557-G-T.
Other names: c.2403C>A, p.His801Gln (NM_022898.3); c.2613C>A, p.His871Gln (NM_001282237.2); c.2400C>A, p.His800Gln (NM_001282238.2); short protein forms H800Q, H801Q, H871Q, H872Q.
Identifiers: ClinVar variation 4855469 (VCV004855469.1).

ClinVar aggregate classification (germline): Uncertain significance (1 of 4 stars; one submission).

Conditions:
Intellectual developmental disorder with speech delay, dysmorphic facies, and t-cell abnormalities. Also called: BCL11B-related BAFopathy. Identifiers: Orphanet 662829, MedGen C4748152, MONDO:0060763, OMIM 618092.

Submission:

3billion
Classification: Uncertain significance for Intellectual developmental disorder with speech delay, dysmorphic facies, and t-cell abnormalities. Last evaluated: 2025-08-05. Review status: criteria provided, single submitter. Criteria: ACMG Guidelines, 2015. Collection method: clinical testing. Allele origin: germline. Affected: yes.
Comment: The variant is not observed in the gnomAD v4.1.0 dataset. Predicted Consequence/Location: Missense variant In silico tool predictions suggest damaging effect of the variant on gene or gene product [REVEL: 0.89 (>=0.6, sensitivity 0.68 and specificity 0.92); 3Cnet: 0.99 (> 0.75, sensitivity 0.96 and precision 0.92)]. Therefore, this variant is classified as VUS according to the recommendation of ACMG/AMP guideline.